The following is an entry in ClinVar:

NM_000018.4(ACADVL):c.1931G>A (p.Arg644Gln)

Gene: ACADVL (acyl-CoA dehydrogenase very long chain; plus strand). Cytogenetic location: 17p13.1.
Variant type: single nucleotide variant.
Coding change: c.1931G>A on transcript NM_000018.4 (MANE Select); coding-DNA position 1931, G replaced by A.
Protein change: p.Arg644Gln; replaces arginine 644 with glutamine.
Molecular consequence: missense variant.
Genome position (GRCh38, 1-based): chr17:7,225,060, G>A. VCF-style: chr17-7225060-G-A. GRCh37 (hg19) VCF-style: chr17-7128379-G-A.
Other names: c.1865G>A, p.Arg622Gln (NM_001033859.3); c.2000G>A, p.Arg667Gln (NM_001270447.2); c.1703G>A, p.Arg568Gln (NM_001270448.2); short protein forms R568Q, R622Q, R644Q, R667Q.
Identifiers: ClinVar variation 1302622 (VCV001302622.5), dbSNP rs774762384, ClinGen allele CA8338313.

ClinVar aggregate classification (germline): Uncertain significance. Review status: criteria provided, multiple submitters, no conflicts (2 of 4 stars). 3 submissions from 3 submitters: Uncertain significance (3). Last evaluated 2022-07-22.

Conditions:
Very long chain acyl-CoA dehydrogenase deficiency (ACADVLD). Also called: VLCAD Deficiency; Very Long-Chain Acyl-Coenzyme A Dehydrogenase Deficiency. Identifiers: Orphanet 26793, MedGen C3887523, MONDO:0008723, OMIM 201475.

Allele frequency attached by ClinVar (database versions not stated): ExAC 0.00002; gnomAD exomes 0.00002; gnomAD 0.00003; TOPMed 0.00003.
gnomAD v4.1: 29 of 1,614,066 alleles (0.0018%); highest among the groups gnomAD compares: East Asian, 0.013%; no homozygotes.

Submissions (3):

Labcorp Genetics (formerly Invitae), Labcorp
Classification: Uncertain significance for Very long chain acyl-CoA dehydrogenase deficiency. Last evaluated: 2022-07-22. Review status: criteria provided, single submitter. Criteria: Invitae Variant Classification Sherloc (09022015). Collection method: clinical testing. Allele origin: germline.
Comment: This sequence change replaces arginine, which is basic and polar, with glutamine, which is neutral and polar, at codon 644 of the ACADVL protein (p.Arg644Gln). This variant is present in population databases (rs774762384, gnomAD 0.007%). This variant has not been reported in the literature in individuals affected with ACADVL-related conditions. ClinVar contains an entry for this variant (Variation ID: 1302622). Algorithms developed to predict the effect of missense changes on protein structure and function output the following: SIFT: "Tolerated"; PolyPhen-2: "Benign"; Align-GVGD: "Class C0". The glutamine amino acid residue is found in multiple mammalian species, which suggests that this missense change does not adversely affect protein function. In summary, the available evidence is currently insufficient to determine the role of this variant in disease. Therefore, it has been classified as a Variant of Uncertain Significance.

Women's Health and Genetics/Laboratory Corporation of America, LabCorp
Classification: Uncertain significance. Last evaluated: 2022-05-03. Review status: criteria provided, single submitter. Criteria: LabCorp Variant Classification Summary - May 2015. Collection method: clinical testing. Allele origin: germline.
Comment: Variant summary: ACADVL c.1931G>A (p.Arg644Gln) results in a conservative amino acid change in the encoded protein sequence. Five of five in-silico tools predict a benign effect of the variant on protein function. The variant allele was found at a frequency of 2e-05 in 251432 control chromosomes (gnomAD). The available data on variant occurrences in the general population are insufficient to allow any conclusion about variant significance. To our knowledge, no occurrence of c.1931G>A in individuals affected with Very Long Chain Acyl-CoA Dehydrogenase Deficiency and no experimental evidence demonstrating its impact on protein function have been reported. Two ClinVar submitters (evaluation after 2014) cite the variant as uncertain significance. Based on the evidence outlined above, the variant was classified as uncertain significance.

GeneDx
Classification: Uncertain significance. Last evaluated: 2019-05-08. Review status: criteria provided, single submitter. Criteria: GeneDx Variant Classification Process June 2021. Collection method: clinical testing. Allele origin: germline. Affected: yes.
Comment: Not observed at a significant frequency in large population cohorts (Lek et al., 2016); In silico analysis, which includes protein predictors and evolutionary conservation, supports that this variant does not alter protein structure/function; Has not been previously published as pathogenic or benign to our knowledge